The following is an entry in ClinVar:

NM_024675.4(PALB2):c.1310A>G (p.Lys437Arg)

Gene: PALB2 (partner and localizer of BRCA2; minus strand). Cytogenetic location: 16p12.2.
Variant type: single nucleotide variant.
Coding change: c.1310A>G on transcript NM_024675.4 (MANE Select); coding-DNA position 1310, A replaced by G.
Protein change: p.Lys437Arg; replaces lysine 437 with arginine.
Molecular consequence: missense variant.
Genome position (GRCh38, 1-based): chr16:23,635,236, T>C on the plus strand (A>G on the coding strand, the complement: PALB2 is on the minus strand). VCF-style: chr16-23635236-T-C. GRCh37 (hg19) VCF-style: chr16-23646557-T-C.
Other names: c.1250A>G, p.Lys417Arg (NM_001407296.1); c.1310A>G, p.Lys437Arg (NM_001407297.1, NM_001407298.1, NM_001407299.1 and 3 more transcripts); c.425A>G, p.Lys142Arg (NM_001407304.1, NM_001407305.1, NM_001407306.1 and 5 more transcripts); short protein forms K437R, K417R, K142R.
Identifiers: ClinVar variation 1769647 (VCV001769647.8), dbSNP rs2142419695, ClinGen allele CA395132405.

ClinVar aggregate classification (germline): Uncertain significance. Review status: criteria provided, multiple submitters, no conflicts (2 of 4 stars). 3 submissions from 3 submitters: Uncertain significance (3). Last evaluated 2023-07-14.

Conditions:
Breast-ovarian cancer, familial, susceptibility to, 5 (BROVCA5). Identifiers: MedGen C5830615, MONDO:0957530, OMIM 620442.
Hereditary cancer-predisposing syndrome. Also called: Hereditary Cancer Syndrome; Hereditary neoplastic syndrome; Neoplastic Syndromes, Hereditary; Tumor predisposition. Identifiers: Orphanet 140162, MedGen C0027672, MeSH D009386, MONDO:0015356.
Familial cancer of breast. Also called: BREAST CANCER, FAMILIAL; hereditary breast carcinoma; Hereditary breast cancer. Identifiers: Orphanet 227535, MedGen C0346153, MONDO:0016419, OMIM 114480. Disease mechanism: loss of function.

Submissions (3):

Labcorp Genetics (formerly Invitae), Labcorp
Classification: Uncertain significance for Familial cancer of breast. Last evaluated: 2023-07-14. Review status: criteria provided, single submitter. Criteria: Invitae Variant Classification Sherloc (09022015). Collection method: clinical testing. Allele origin: germline.
Comment: In summary, the available evidence is currently insufficient to determine the role of this variant in disease. Therefore, it has been classified as a Variant of Uncertain Significance. Advanced modeling of protein sequence and biophysical properties (such as structural, functional, and spatial information, amino acid conservation, physicochemical variation, residue mobility, and thermodynamic stability) performed at Invitae indicates that this missense variant is not expected to disrupt PALB2 protein function. ClinVar contains an entry for this variant (Variation ID: 1769647). This variant has not been reported in the literature in individuals affected with PALB2-related conditions. This variant is not present in population databases (gnomAD no frequency). This sequence change replaces lysine, which is basic and polar, with arginine, which is basic and polar, at codon 437 of the PALB2 protein (p.Lys437Arg).

Department of Pathology and Laboratory Medicine, Sinai Health System
Classification: Uncertain significance for Breast-ovarian cancer, familial, susceptibility to, 5. Last evaluated: 2023-03-21. Review status: criteria provided, single submitter. Criteria: ACMG Guidelines, 2015. Collection method: clinical testing. Allele origin: germline. Affected: yes.

Ambry Genetics
Classification: Uncertain significance for Hereditary cancer-predisposing syndrome. Last evaluated: 2022-02-05. Review status: criteria provided, single submitter. Criteria: Ambry Variant Classification Scheme 2023. Collection method: clinical testing. Allele origin: germline.
Comment: The p.K437R variant (also known as c.1310A>G), located in coding exon 4 of the PALB2 gene, results from an A to G substitution at nucleotide position 1310. The lysine at codon 437 is replaced by arginine, an amino acid with highly similar properties. This amino acid position is conserved. In addition, this alteration is predicted to be tolerated by in silico analysis. Since supporting evidence is limited at this time, the clinical significance of this alteration remains unclear.